The following is an entry in ClinVar:

ClinVar aggregate classification (germline): Uncertain significance (1 of 4 stars; one submission).

Allele frequency attached by ClinVar (database versions not stated): TOPMed 0.00001; gnomAD exomes 0.00001; ExAC 0.00002.

Submission:

Women's Health and Genetics/Laboratory Corporation of America, LabCorp
Classification: Uncertain significance. Last evaluated: 2022-03-23. Review status: criteria provided, single submitter. Criteria: LabCorp Variant Classification Summary - May 2015. Collection method: clinical testing. Allele origin: germline.
Comment: Variant summary: SLC2A10 c.598C>T (p.Pro200Ser) results in a non-conservative amino acid change in the encoded protein sequence. Three of five in-silico tools predict a benign effect of the variant on protein function. The variant allele was found at a frequency of 1.2e-05 in 251140 control chromosomes (gnomAD). The available data on variant occurrences in the general population are insufficient to allow any conclusion about variant significance. To our knowledge, no occurrence of c.598C>T in individuals affected with Arterial Tortuosity Syndrome and no experimental evidence demonstrating its impact on protein function have been reported. No clinical diagnostic laboratories have submitted clinical-significance assessments for this variant to ClinVar after 2014. Based on the evidence outlined above, the variant was classified as uncertain significance.

NM_030777.4(SLC2A10):c.598C>T (p.Pro200Ser)

Gene: SLC2A10 (solute carrier family 2 member 10; plus strand). Cytogenetic location: 20q13.12.
Variant type: single nucleotide variant.
Coding change: c.598C>T on transcript NM_030777.4 (MANE Select); coding-DNA position 598, C replaced by T.
Protein change: p.Pro200Ser; replaces proline 200 with serine.
Molecular consequence: missense variant.
Genome position (GRCh38, 1-based): chr20:46,725,634, C>T. VCF-style: chr20-46725634-C-T. GRCh37 (hg19) VCF-style: chr20-45354273-C-T.
Other names: short protein forms P200S.
Identifiers: ClinVar variation 1677180 (VCV001677180.1), dbSNP rs764618846, ClinGen allele CA9892004.